The following is an entry in ClinVar:

ClinVar aggregate classification (germline): Benign/Likely benign. Review status: criteria provided, multiple submitters, no conflicts (2 of 4 stars). 5 submissions from 5 submitters: Benign (2); Likely benign (3). Last evaluated 2026-06-01.

Conditions:
Maturity-onset diabetes of the young type 9 (MODY9). Identifiers: Orphanet 552, MedGen C2677132, MONDO:0012818, OMIM 612225.
Diabetes mellitus, ketosis-prone (KPD). Identifiers: MedGen C3837958, MONDO:0100180, OMIM 612227.
Type 2 diabetes mellitus. Also called: Type II diabetes mellitus. Identifiers: MedGen C0011860, MeSH D003924, MONDO:0005148, OMIM 125853, HP:0005978.

Allele frequency attached by ClinVar (database versions not stated): ESP Exome Variant Server 0.00008; gnomAD 0.00051; TOPMed 0.00122; 1000 Genomes Project 30x 0.00468; 1000 Genomes Project 0.00499.
gnomAD v4.1: 2,244 of 1,614,198 alleles (0.14%); highest among the groups gnomAD compares: East Asian, 2.4%; 30 homozygotes.

Submissions (5):

CeGaT Center for Human Genetics Tuebingen
Classification: Likely benign. Last evaluated: 2026-06-01. Review status: criteria provided, single submitter. Criteria: CeGaT Center For Human Genetics Tuebingen Variant Classification Criteria Version 2. Collection method: clinical testing. Allele origin: germline. Affected: yes. Observed: 1 variant allele.
Comment: PAX4: PM5, BS1, BS2

Labcorp Genetics (formerly Invitae), Labcorp
Classification: Benign. Last evaluated: 2026-01-21. Review status: criteria provided, single submitter. Criteria: Invitae Variant Classification Sherloc (09022015). Collection method: clinical testing. Allele origin: germline.

ARUP Laboratories, Molecular Genetics and Genomics, ARUP Laboratories
Classification: Likely benign. Last evaluated: 2023-09-06. Review status: criteria provided, single submitter. Criteria: ARUP Molecular Germline Variant Investigation Process 2024. Collection method: clinical testing. Allele origin: germline.

Fulgent Genetics
Classification: Likely benign for Type 2 diabetes mellitus; Maturity-onset diabetes of the young type 9; Diabetes mellitus, ketosis-prone. Last evaluated: 2022-04-16. Review status: criteria provided, single submitter. Criteria: ACMG Guidelines, 2015. Collection method: clinical testing. Allele origin: unknown.

GeneDx
Classification: Benign. Last evaluated: 2021-04-28. Review status: criteria provided, single submitter. Criteria: GeneDx Variant Classification Process June 2021. Collection method: clinical testing. Allele origin: germline. Affected: yes.
Comment: This variant is associated with the following publications: (PMID: 31216263)

NM_001366110.1(PAX4):c.116G>A (p.Arg39Gln)

Gene: PAX4 (paired box 4; minus strand). Cytogenetic location: 7q32.1.
Variant type: single nucleotide variant.
Coding change: c.116G>A on transcript NM_001366110.1 (MANE Select); coding-DNA position 116, G replaced by A.
Protein change: p.Arg39Gln; replaces arginine 39 with glutamine.
Molecular consequence: missense variant.
Genome position (GRCh38, 1-based): chr7:127,615,429, C>T on the plus strand (G>A on the coding strand, the complement: PAX4 is on the minus strand). VCF-style: chr7-127615429-C-T. GRCh37 (hg19) VCF-style: chr7-127255483-C-T.
Other names: c.116G>A, p.Arg39Gln (NM_001366111.1); short protein forms R39Q.
Identifiers: ClinVar variation 358808 (VCV000358808.18), dbSNP rs115887120, ClinGen allele CA4468227.